The following is an entry in ClinVar:

NM_004415.4(DSP):c.6551T>A (p.Val2184Glu)

Gene: DSP (desmoplakin; plus strand). Cytogenetic location: 6p24.3.
Variant type: single nucleotide variant.
Coding change: c.6551T>A on transcript NM_004415.4 (MANE Select); coding-DNA position 6551, T replaced by A.
Protein change: p.Val2184Glu; replaces valine 2184 with glutamic acid.
Molecular consequence: missense variant.
Genome position (GRCh38, 1-based): chr6:7,583,813, T>A. VCF-style: chr6-7583813-T-A. GRCh37 (hg19) VCF-style: chr6-7584046-T-A.
Other names: c.4754T>A, p.Val1585Glu (NM_001008844.3); c.5222T>A, p.Val1741Glu (NM_001319034.2); short protein forms V1585E, V1741E, V2184E.
Identifiers: ClinVar variation 2948749 (VCV002948749.5), dbSNP rs2533941943, ClinGen allele CA362691039.

ClinVar aggregate classification (germline): Uncertain significance. Review status: criteria provided, multiple submitters, no conflicts (2 of 4 stars). 3 submissions from 3 submitters: Uncertain significance (3). Last evaluated 2025-11-09.

Conditions:
Arrhythmogenic cardiomyopathy with wooly hair and keratoderma. Also called: Dilated cardiomyopathy with woolly hair and keratoderma; PALMOPLANTAR KERATODERMA WITH LEFT VENTRICULAR CARDIOMYOPATHY AND WOOLLY HAIR; Carvajal syndrome; Arrhythmogenic cardiomyopathy with woolly hair and keratoderma. Identifiers: Orphanet 65282, MedGen C1854063, MONDO:0011581, OMIM 605676.
Arrhythmogenic right ventricular dysplasia 8 (ARVD8). Also called: Arrhythmogenic Right Ventricular Dysplasia/Cardiomyopathy 8; ARRHYTHMOGENIC RIGHT VENTRICULAR DYSPLASIA, FAMILIAL, 8; ARRHYTHMOGENIC RIGHT VENTRICULAR CARDIOMYOPATHY 8. Identifiers: MedGen C1843896, MONDO:0011831, OMIM 607450.
Cardiovascular phenotype. Identifiers: MedGen CN230736.

Submissions (3):

Labcorp Genetics (formerly Invitae), Labcorp
Classification: Uncertain significance for Arrhythmogenic cardiomyopathy with wooly hair and keratoderma; Arrhythmogenic right ventricular dysplasia 8. Last evaluated: 2025-11-09. Review status: criteria provided, single submitter. Criteria: Invitae Variant Classification Sherloc (09022015). Collection method: clinical testing. Allele origin: germline.
Comment: This sequence change replaces valine, which is neutral and non-polar, with glutamic acid, which is acidic and polar, at codon 2184 of the DSP protein (p.Val2184Glu). This variant is not present in population databases (gnomAD no frequency). This variant has not been reported in the literature in individuals affected with DSP-related conditions. ClinVar contains an entry for this variant (Variation ID: 2948749). An algorithm developed to predict the effect of missense changes on protein structure and function (PolyPhen-2) suggests that this variant is likely to be tolerated. In summary, the available evidence is currently insufficient to determine the role of this variant in disease. Therefore, it has been classified as a Variant of Uncertain Significance.

Ambry Genetics
Classification: Uncertain significance for Cardiovascular phenotype. Last evaluated: 2025-07-22. Review status: criteria provided, single submitter. Criteria: Ambry Variant Classification Scheme 2023. Collection method: clinical testing. Allele origin: germline.
Comment: The p.V2184E variant (also known as c.6551T>A), located in coding exon 24 of the DSP gene, results from a T to A substitution at nucleotide position 6551. The valine at codon 2184 is replaced by glutamic acid, an amino acid with dissimilar properties. This amino acid position is conserved. In addition, this alteration is predicted to be tolerated by in silico analysis. Based on the available evidence, the clinical significance of this variant remains unclear.

All of Us Research Program, National Institutes of Health
Classification: Uncertain significance for Arrhythmogenic cardiomyopathy with wooly hair and keratoderma. Last evaluated: 2023-11-20. Review status: criteria provided, single submitter. Criteria: ACMG Guidelines, 2015. Collection method: clinical testing. Allele origin: germline. Inheritance: Autosomal dominant inheritance. Observed: 1 variant allele, 1 heterozygote.
Comment: This missense variant replaces valine with glutamic acid at codon 2184 of the DSP protein. Computational prediction suggests that this variant may not impact protein structure and function (internally defined REVEL score threshold <= 0.5, PMID: 27666373). To our knowledge, functional studies have not been reported for this variant. This variant has not been reported in individuals affected with DSP-related disorders in the literature. This variant has not been identified in the general population by the Genome Aggregation Database (gnomAD). The available evidence is insufficient to determine the role of this variant in disease conclusively. Therefore, this variant is classified as a Variant of Uncertain Significance.

This study involves interpretation of variants in research participants for the purpose of population health screening. Participant phenotype was not available at the time of variant classification. Additional details can be found in publication PMID: 35346344, PMCID: PMC8962531